The following is an entry in ClinVar:

ClinVar aggregate classification (germline): Likely pathogenic (1 of 4 stars; one submission).

Allele frequency attached by ClinVar (database versions not stated): gnomAD exomes below 0.00001; gnomAD 0.00001.
gnomAD v4.1: 3 of 1,519,768 alleles (0.0002%); highest among the groups gnomAD compares: Non-Finnish European, 0.00027%; no homozygotes.

Submission:

Labcorp Genetics (formerly Invitae), Labcorp
Classification: Likely pathogenic. Last evaluated: 2021-11-24. Review status: criteria provided, single submitter. Criteria: Invitae Variant Classification Sherloc (09022015). Collection method: clinical testing. Allele origin: germline.
Comment: This variant has not been reported in the literature in individuals affected with VPS13A-related conditions. In summary, the currently available evidence indicates that the variant is pathogenic, but additional data are needed to prove that conclusively. Therefore, this variant has been classified as Likely Pathogenic. Algorithms developed to predict the effect of sequence changes on RNA splicing suggest that this variant may disrupt the consensus splice site. The frequency data for this variant in the population databases is considered unreliable, as metrics indicate poor data quality at this position in the gnomAD database. This sequence change affects an acceptor splice site in intron 53 of the VPS13A gene. It is expected to disrupt RNA splicing. Variants that disrupt the donor or acceptor splice site typically lead to a loss of protein function (PMID: 16199547), and loss-of-function variants in VPS13A are known to be pathogenic (PMID: 12404112, 21598378).

Literature cited by the submitters: PubMed 16199547; PubMed 12404112; PubMed 21598378.

NM_033305.3(VPS13A):c.7420-2A>C

Gene: VPS13A (vacuolar protein sorting 13 homolog A; plus strand). Cytogenetic location: 9q21.2.
Variant type: single nucleotide variant.
Coding change: c.7420-2A>C on transcript NM_033305.3 (MANE Select); the canonical splice acceptor site of the intron before coding-DNA position 7420, A replaced by C.
Molecular consequence: splice acceptor variant.
Genome position (GRCh38, 1-based): chr9:77,353,407, A>C. VCF-style: chr9-77353407-A-C. GRCh37 (hg19) VCF-style: chr9-79968323-A-C.
Other names: c.7303-2A>C (NM_001018037.2); c.7420-2A>C (NM_015186.4, NM_001018038.3).
Identifiers: ClinVar variation 1490454 (VCV001490454.6), dbSNP rs1175632662, ClinGen allele CA373855050.